The following is an entry in ClinVar:

ClinVar aggregate classification (germline): Uncertain significance. Review status: criteria provided, multiple submitters, no conflicts (2 of 4 stars). 3 submissions from 3 submitters: Uncertain significance (3). Last evaluated 2024-04-24.

Conditions:
Fanconi anemia complementation group F. Also called: FANCF-Related Fanconi Anemia. Identifiers: Orphanet 84, MedGen C3469526, MONDO:0011325, OMIM 603467.
Fanconi anemia (FA). Also called: Fanconi's anemia. Identifiers: Orphanet 84, MedGen C0015625, MeSH D005199, MONDO:0019391.

Allele frequency attached by ClinVar (database versions not stated): ExAC 0.00001; gnomAD 0.00003; TOPMed 0.00004.
gnomAD v4.1: 14 of 1,614,084 alleles (0.00087%); highest among the groups gnomAD compares: African/African-American, 0.0053%; no homozygotes.

Submissions (3):

Fulgent Genetics
Classification: Uncertain significance for Fanconi anemia complementation group F. Last evaluated: 2024-04-24. Review status: criteria provided, single submitter. Criteria: ACMG Guidelines, 2015. Collection method: clinical testing. Allele origin: germline.

Labcorp Genetics (formerly Invitae), Labcorp
Classification: Uncertain significance for Fanconi anemia. Last evaluated: 2022-07-22. Review status: criteria provided, single submitter. Criteria: Invitae Variant Classification Sherloc (09022015). Collection method: clinical testing. Allele origin: germline.
Comment: In summary, the available evidence is currently insufficient to determine the role of this variant in disease. Therefore, it has been classified as a Variant of Uncertain Significance. Algorithms developed to predict the effect of missense changes on protein structure and function output the following: SIFT: "Tolerated"; PolyPhen-2: "Benign"; Align-GVGD: "Class C0". The serine amino acid residue is found in multiple mammalian species, which suggests that this missense change does not adversely affect protein function. ClinVar contains an entry for this variant (Variation ID: 1337361). This variant has not been reported in the literature in individuals affected with FANCF-related conditions. This variant is present in population databases (rs368067979, gnomAD 0.007%). This sequence change replaces leucine, which is neutral and non-polar, with serine, which is neutral and polar, at codon 262 of the FANCF protein (p.Leu262Ser).

Genetic Services Laboratory, University of Chicago
Classification: Uncertain significance. Last evaluated: 2019-09-09. Review status: criteria provided, single submitter. Criteria: ACMG Guidelines, 2015. Collection method: clinical testing. Allele origin: germline. Affected: no.

NM_022725.4(FANCF):c.785T>C (p.Leu262Ser)

Gene: FANCF (FA complementation group F; minus strand). Cytogenetic location: 11p14.3.
Variant type: single nucleotide variant.
Coding change: c.785T>C on transcript NM_022725.4 (MANE Select); coding-DNA position 785, T replaced by C.
Protein change: p.Leu262Ser; replaces leucine 262 with serine.
Molecular consequence: missense variant.
Genome position (GRCh38, 1-based): chr11:22,625,026, A>G on the plus strand (T>C on the coding strand, the complement: FANCF is on the minus strand). VCF-style: chr11-22625026-A-G. GRCh37 (hg19) VCF-style: chr11-22646572-A-G.
Other names: short protein forms L262S.
Identifiers: ClinVar variation 1337361 (VCV001337361.9), dbSNP rs368067979, ClinGen allele CA5924262.